The following is an entry in ClinVar:

ClinVar aggregate classification (germline): Uncertain significance. Review status: criteria provided, multiple submitters, no conflicts (2 of 4 stars). 2 submissions from 2 submitters: Uncertain significance (2). Last evaluated 2025-08-27.

Conditions:
Hereditary cancer-predisposing syndrome. Also called: Tumor predisposition; Hereditary neoplastic syndrome; Neoplastic Syndromes, Hereditary; Hereditary Cancer Syndrome. Identifiers: Orphanet 140162, MedGen C0027672, MeSH D009386, MONDO:0015356.
Familial melanoma. Also called: Hereditary melanoma; Hereditary cutaneous melanoma. Identifiers: Orphanet 618, MedGen C1512419, MONDO:0018961.

Submissions (2):

Ambry Genetics
Classification: Uncertain significance for Hereditary cancer-predisposing syndrome. Last evaluated: 2025-08-27. Review status: criteria provided, single submitter. Criteria: Ambry Variant Classification Scheme 2023. Collection method: clinical testing. Allele origin: germline.
Comment: The c.549_567del19 variant, located in coding exon 4 of the CDK4 gene, results from a deletion of 19 nucleotides at nucleotide positions 549 to 567, causing a translational frameshift with a predicted alternate stop codon (p.E184Hfs*40). This alteration is expected to result in protein truncation or nonsense-mediated mRNA decay. However, loss of function of CDK4 has not been established as a mechanism of disease. Based on the available evidence, the clinical significance of this variant remains unclear.

Labcorp Genetics (formerly Invitae), Labcorp
Classification: Uncertain significance for Familial melanoma. Last evaluated: 2024-10-30. Review status: criteria provided, single submitter. Criteria: Invitae Variant Classification Sherloc (09022015). Collection method: clinical testing. Allele origin: germline.
Comment: This sequence change creates a premature translational stop signal (p.Glu184Hisfs*40) in the CDK4 gene. It is expected to result in an absent or disrupted protein product. However, the current clinical and genetic evidence is not sufficient to establish whether loss-of-function variants in CDK4 cause disease. This variant is not present in population databases (gnomAD no frequency). This variant has not been reported in the literature in individuals affected with CDK4-related conditions. ClinVar contains an entry for this variant (Variation ID: 860503). In summary, the available evidence is currently insufficient to determine the role of this variant in disease. Therefore, it has been classified as a Variant of Uncertain Significance.

NM_000075.4(CDK4):c.549_567del (p.Glu184fs)

Gene: CDK4 (cyclin dependent kinase 4; minus strand). Cytogenetic location: 12q14.1.
Variant type: Deletion.
Coding change: c.549_567del on transcript NM_000075.4 (MANE Select); coding-DNA positions 549 to 567, 19 bases deleted (CGAAGTTCTTCTGCAGTCC).
Protein change: p.Glu184fs; shifts the reading frame from glutamic acid 184.
Molecular consequence: frameshift variant.
Genome position (GRCh38, 1-based): chr12:57,750,721-57,750,739, GGACTGCAGAAGAACTTCG deleted on the plus strand (CGAAGTTCTTCTGCAGTCC on the coding strand, the reverse complement: CDK4 is on the minus strand); deleting any 19 consecutive bases within chr12:57,750,721-57,750,742 gives the same sequence; the c. name uses the placement nearest the transcript's 3' end. VCF-style (leftmost placement, unchanged base first): chr12-57750720-TGGACTGCAGAAGAACTTCG-T. GRCh37 (hg19) VCF-style: chr12-58144503-TGGACTGCAGAAGAACTTCG-T.
Other names: c.549_567del19 (NM_000075.3); short protein forms E184fs.
Identifiers: ClinVar variation 860503 (VCV000860503.12), dbSNP rs1955226726, ClinGen allele CA916081674.
Genomic context (GRCh38, chr12:57,750,720, plus strand): 5'-GACGAAACATCTCTGCAAAGATACAGCCAACACTCCACATGTCCACAGGTGTTGCATATG[TGGACTGCAGAAGAACTTCG>T]GGAGCTCGGTACCAGAGTGTAACAACCTAAAGGGAATAGGAAGAATGGATGGGGACCCCA-3'